The following is an entry in ClinVar:

ClinVar aggregate classification (germline): Likely pathogenic (1 of 4 stars; one submission).

Conditions:
Tyrosinemia type I (TYRSN1). Also called: Tyrosinemia type 1; Fumarylacetoacetase deficiency; Deficiency of fumarylacetoacetase; HEPATORENAL TYROSINEMIA; FAH DEFICIENCY. Identifiers: Orphanet 882, MedGen C0268490, MONDO:0010161, OMIM 276700. Disease mechanism: loss of function.

Submission:

Labcorp Genetics (formerly Invitae), Labcorp
Classification: Likely pathogenic for Tyrosinemia type I. Last evaluated: 2020-10-04. Review status: criteria provided, single submitter. Criteria: Invitae Variant Classification Sherloc (09022015). Collection method: clinical testing. Allele origin: germline.
Comment: In summary, the currently available evidence indicates that the variant is pathogenic, but additional data are needed to prove that conclusively. Therefore, this variant has been classified as Likely Pathogenic. This variant disrupts the p.Phe62 amino acid residue in FAH. Other variant(s) that disrupt this residue have been determined to be pathogenic (PMID: 31300554, 8204664, 11278491). This suggests that this residue is clinically significant, and that variants that disrupt this residue are likely to be disease-causing. This variant has not been reported in the literature in individuals with FAH-related conditions. This variant is an in-frame deletion of the genomic region encompassing exon(s) 2 of the FAH gene. It preserves the integrity of the reading frame.

Literature cited by the submitters: PubMed 31300554; PubMed 8204664; PubMed 11278491.

NC_000015.9:g.(?_80450392)_(80450522_?)del

Gene: FAH (fumarylacetoacetate hydrolase; plus strand). Cytogenetic location: 15q25.1.
Variant type: Deletion.
Identifiers: ClinVar variation 1068404 (VCV001068404.7).